The following is an entry in ClinVar:

NM_002972.4(SBF1):c.1431+4C>A

Gene: SBF1 (SET binding factor 1; minus strand). Cytogenetic location: 22q13.33.
Variant type: single nucleotide variant.
Coding change: c.1431+4C>A on transcript NM_002972.4 (MANE Select); 4 bases into the intron after coding-DNA position 1431, C replaced by A.
Molecular consequence: intron variant.
Genome position (GRCh38, 1-based): chr22:50,464,815, G>T on the plus strand (C>A on the coding strand, the complement: SBF1 is on the minus strand). VCF-style: chr22-50464815-G-T. GRCh37 (hg19) VCF-style: chr22-50903244-G-T.
Other names: c.1434+4C>A (NM_001365819.1).
Identifiers: ClinVar variation 1974649 (VCV001974649.5), dbSNP rs530337132, ClinGen allele CA754063954.

ClinVar aggregate classification (germline): Uncertain significance (1 of 4 stars; one submission).

gnomAD v4.1: 3 of 1,613,394 alleles (0.00019%); highest among the groups gnomAD compares: African/African-American, 0.0027%; no homozygotes.

Submission:

Labcorp Genetics (formerly Invitae), Labcorp
Classification: Uncertain significance. Last evaluated: 2022-02-27. Review status: criteria provided, single submitter. Criteria: Invitae Variant Classification Sherloc (09022015). Collection method: clinical testing. Allele origin: germline.
Comment: This sequence change falls in intron 13 of the SBF1 gene. It does not directly change the encoded amino acid sequence of the SBF1 protein. It affects a nucleotide within the consensus splice site. This variant is not present in population databases (gnomAD no frequency). In summary, the available evidence is currently insufficient to determine the role of this variant in disease. Therefore, it has been classified as a Variant of Uncertain Significance. Variants that disrupt the consensus splice site are a relatively common cause of aberrant splicing (PMID: 17576681, 9536098). Algorithms developed to predict the effect of sequence changes on RNA splicing suggest that this variant may disrupt the consensus splice site. This variant has not been reported in the literature in individuals affected with SBF1-related conditions.

Literature cited by the submitters: PubMed 17576681; PubMed 9536098.